The following is an entry in ClinVar:

NM_001394062.1(MACF1):c.3407A>G (p.Lys1136Arg)

Gene: MACF1 (microtubule actin crosslinking factor 1; plus strand). Cytogenetic location: 1p34.3.
Variant type: single nucleotide variant.
Coding change: c.3407A>G on transcript NM_001394062.1 (MANE Select); coding-DNA position 3407, A replaced by G.
Protein change: p.Lys1136Arg; replaces lysine 1136 with arginine.
Molecular consequence: missense variant.
Genome position (GRCh38, 1-based): chr1:39,315,649, A>G. VCF-style: chr1-39315649-A-G. GRCh37 (hg19) VCF-style: chr1-39781321-A-G.
Other names: c.3422A>G, p.Lys1141Arg (NM_012090.5); short protein forms K1141R, K1136R.
Identifiers: ClinVar variation 2061010 (VCV002061010.15), dbSNP rs151139850, ClinGen allele CA779961.

ClinVar aggregate classification (germline): Likely benign. Review status: criteria provided, multiple submitters, no conflicts (2 of 4 stars). 4 submissions from 4 submitters: Likely benign (3). 1 of the submissions does not count toward it. Last evaluated 2026-05-01.

Conditions:
MACF1-related disorder. Also called: MACF1-related condition.

Allele frequency attached by ClinVar (database versions not stated): ESP Exome Variant Server 0.00031; gnomAD 0.00045; gnomAD exomes 0.00050; ExAC 0.00072; TOPMed 0.00076; 1000 Genomes Project 0.00120; 1000 Genomes Project 30x 0.00125.
gnomAD v4.1: 863 of 1,614,152 alleles (0.053%); highest among the groups gnomAD compares: Middle Eastern, 0.76%; 4 homozygotes.

Submissions (4):

CeGaT Center for Human Genetics Tuebingen
Classification: Likely benign. Last evaluated: 2026-05-01. Review status: criteria provided, single submitter. Criteria: CeGaT Center For Human Genetics Tuebingen Variant Classification Criteria Version 2. Collection method: clinical testing. Allele origin: germline. Affected: yes. Observed: 2 variant alleles.
Comment: MACF1: BS1

Labcorp Genetics (formerly Invitae), Labcorp
Classification: Likely benign. Last evaluated: 2025-09-22. Review status: criteria provided, single submitter. Criteria: Invitae Variant Classification Sherloc (09022015). Collection method: clinical testing. Allele origin: germline.

Blueprint Genetics
Classification: Likely benign. Last evaluated: 2024-11-26. Review status: criteria provided, single submitter. Criteria: ACMG Guidelines, 2015. Collection method: clinical testing. Allele origin: germline.

PreventionGenetics, part of Exact Sciences
Classification: Likely benign for MACF1-related condition. Last evaluated: 2021-02-01. Review status: no assertion criteria provided. Collection method: clinical testing. Allele origin: germline. Not counted in ClinVar's aggregate classification.
Comment: This variant is classified as likely benign based on ACMG/AMP sequence variant interpretation guidelines (Richards et al. 2015 PMID: 25741868, with internal and published modifications).